The following is an entry in ClinVar:

NM_000551.4(VHL):c.340+679T>G

Genes: VHL (von Hippel-Lindau tumor suppressor; plus strand), LOC107303340 (3p25 von Hippel-Lindau tumor suppressor, E3 ubiquitin protein ligase Alu-mediated recombination region; plus strand). Cytogenetic location: 3p25.3.
Variant type: single nucleotide variant.
Coding change: c.340+679T>G on transcript NM_000551.4 (MANE Select); 679 bases into the intron after coding-DNA position 340, T replaced by G.
Molecular consequence: intron variant. On other transcripts: synonymous variant (1).
Genome position (GRCh38, 1-based): chr3:10,142,866, T>G. VCF-style: chr3-10142866-T-G. GRCh37 (hg19) VCF-style: chr3-10184550-T-G.
Other names: c.444T>G (NM_001354723.1); c.444T>G, p.Gly148= (NM_001354723.2); c.340+679T>G (NM_198156.3).
Identifiers: ClinVar variation 1169843 (VCV001169843.11), dbSNP rs866935879, ClinGen allele CA70046734.

ClinVar aggregate classification (germline): Benign. Review status: criteria provided, single submitter (1 of 4 stars). 2 submissions from 2 submitters: Benign (1). 1 of the submissions does not count toward it. Last evaluated 2026-02-03.

Conditions:
VHL-related disorder. Also called: VHL-related condition.
Von Hippel-Lindau syndrome (VHLS). Also called: von Hippel–Lindau syndrome; Von Hippel-Lindau; VHL syndrome. Identifiers: Orphanet 892, MedGen C0019562, MONDO:0008667, OMIM 193300. Disease mechanism: loss of function.
Chuvash polycythemia. Also called: POLYCYTHEMIA, VHL-DEPENDENT. Identifiers: Orphanet 238557, MedGen C1837915, MONDO:0009892, OMIM 263400.

Allele frequency attached by ClinVar (database versions not stated): TOPMed 0.00034; gnomAD 0.00035 and 0.00037; 1000 Genomes Project 30x 0.00047.

Submissions (2):

Labcorp Genetics (formerly Invitae), Labcorp
Classification: Benign for Von Hippel-Lindau syndrome; Chuvash polycythemia. Last evaluated: 2026-02-03. Review status: criteria provided, single submitter. Criteria: Invitae Variant Classification Sherloc (09022015). Collection method: clinical testing. Allele origin: germline.

PreventionGenetics, part of Exact Sciences
Classification: Likely benign for VHL-related condition. Last evaluated: 2022-08-10. Review status: no assertion criteria provided. Collection method: clinical testing. Allele origin: germline. Not counted in ClinVar's aggregate classification.
Comment: This variant is classified as likely benign based on ACMG/AMP sequence variant interpretation guidelines (Richards et al. 2015 PMID: 25741868, with internal and published modifications).